The following is an entry in ClinVar:

ClinVar aggregate classification (germline): Likely benign. Review status: reviewed by expert panel (3 of 4 stars). 2 submissions from 2 submitters: Likely benign (1). 1 of the submissions does not count toward it. Last evaluated 2025-01-15.

Conditions:
Hereditary thrombocytopenia and hematological cancer predisposition syndrome associated with RUNX1. Also called: Familial Platelet Disorder with Propensity to Acute Myelogenous Leukemia; Familial thrombocytopenia with propensity to acute myelogenous leukemia; PLATELET DISORDER, ASPIRIN-LIKE; RUNX1 Familial Platelet Disorder with Associated Myeloid Malignancies. Identifiers: Orphanet 71290, MedGen C1832388, MeSH C563324, MONDO:0100083, OMIM 601399.
Hereditary thrombocytopenia and hematologic cancer predisposition syndrome. Identifiers: Orphanet 71290, MedGen CN281654, MONDO:0011071.

Submissions (2):

ClinGen Myeloid Malignancy Variant Curation Expert Panel
Classification: Likely benign for Hereditary thrombocytopenia and hematologic cancer predisposition syndrome. Last evaluated: 2025-01-15. Review status: reviewed by expert panel. Criteria: ClinGen MyeloMalig ACMG Specifications v2. Collection method: curation. Allele origin: germline. Inheritance: Autosomal dominant inheritance.
Comment: NM_001754.5(RUNX1):c.509-10G>C is an intronic variant that has a SpliceAI score ≤ 0.20 (0.00) (BP4). This variant has a SpliceAI score ≤ 0.20 (0.00) and evolutionary conservation algorithms predict the site as not being conserved (PhyloP score ≤ 2.0 (0.88) (BP7). This variant is completely absent from all population databases with at least 20x coverage for RUNX1 (PM2_Supporting). In summary, this variant meets criteria to be classified as likely benign. ACMG/AMP criteria applied, as specified by the Myeloid Malignancy Variant Curation Expert Panel for RUNX1: BP4, BP7, PM2_Supporting.

Labcorp Genetics (formerly Invitae), Labcorp
Classification: Likely benign for Hereditary thrombocytopenia and hematological cancer predisposition syndrome associated with RUNX1. Last evaluated: 2022-03-18. Review status: criteria provided, single submitter. Criteria: Invitae Variant Classification Sherloc (09022015). Collection method: clinical testing. Allele origin: germline. Not counted in ClinVar's aggregate classification.

NM_001754.5(RUNX1):c.509-10G>C

Genes: RUNX1 (RUNX family transcription factor 1; minus strand), RUNX1-AS1 (RUNX1 antisense RNA 1; plus strand). Cytogenetic location: 21q22.12.
Variant type: single nucleotide variant.
Coding change: c.509-10G>C on transcript NM_001754.5 (MANE Select); 10 bases into the intron before coding-DNA position 509, G replaced by C.
Molecular consequence: intron variant.
Genome position (GRCh38, 1-based): chr21:34,859,588, C>G on the plus strand (G>C on the coding strand, the complement: RUNX1 is on the minus strand). VCF-style: chr21-34859588-C-G. GRCh37 (hg19) VCF-style: chr21-36231885-C-G.
Other names: c.428-10G>C (NM_001001890.3, NM_001122607.2).
Identifiers: ClinVar variation 2113649 (VCV002113649.5), dbSNP rs2146237170, ClinGen allele CA2580098642.